The following is an entry in ClinVar:

ClinVar aggregate classification (germline): Conflicting classifications of pathogenicity. Review status: criteria provided, conflicting classifications (1 of 4 stars). 2 submissions from 2 submitters: Likely pathogenic (1); Uncertain significance (1). Last evaluated 2025-09-10.

Conditions:
Gastrointestinal stromal tumor. Also called: Gastrointestinal stromal tumor, somatic; Gastrointestinal stroma tumor. Identifiers: Orphanet 44890, MedGen C0238198, MeSH D046152, MONDO:0011719, OMIM 606764, HP:0100723.
Pheochromocytoma/paraganglioma syndrome 4. Also called: CAROTID BODY TUMORS AND MULTIPLE EXTRAADRENAL PHEOCHROMOCYTOMAS; SDHB-Related Hereditary Paraganglioma-Pheochromocytoma Syndrome; Paragangliomas 4; SDHB-Related Hereditary Paraganglioma-Pheochromocytoma Syndrome (Paragangliomas 4); PARAGANGLIOMA, FAMILIAL MALIGNANT; PARAGANGLIOMAS, HEREDITARY EXTRAADRENAL. Identifiers: Orphanet 29072, MedGen C1861848, MONDO:0007273, OMIM 115310.
Pheochromocytoma. Also called: MAX-Related Hereditary Paraganglioma-Pheochromocytoma Syndrome. Identifiers: Orphanet 29072, MedGen C0031511, MONDO:0008233, OMIM 171300, HP:0002666.

Submissions (2):

Genomic Medicine Center of Excellence, King Faisal Specialist Hospital and Research Centre
Classification: Likely pathogenic for Pheochromocytoma/paraganglioma syndrome 4. Last evaluated: 2025-09-10. Review status: criteria provided, single submitter. Criteria: ACMG Guidelines, 2015. Collection method: clinical testing. Allele origin: germline.

Labcorp Genetics (formerly Invitae), Labcorp
Classification: Uncertain significance for Gastrointestinal stromal tumor; Pheochromocytoma/paraganglioma syndrome 4; Pheochromocytoma. Last evaluated: 2019-04-28. Review status: criteria provided, single submitter. Criteria: Invitae Variant Classification Sherloc (09022015). Collection method: clinical testing. Allele origin: germline.
Comment: This variant has not been reported in the literature in individuals with SDHB-related conditions. This sequence change replaces lysine with glutamic acid at codon 137 of the SDHB protein (p.Lys137Glu). The lysine residue is highly conserved and there is a small physicochemical difference between lysine and glutamic acid. This variant is not present in population databases (ExAC no frequency). Algorithms developed to predict the effect of missense changes on protein structure and function are either unavailable or do not agree on the potential impact of this missense change (SIFT: "Deleterious"; PolyPhen-2: "Probably Damaging"; Align-GVGD: "Class C15"). Algorithms developed to predict the effect of sequence changes on RNA splicing suggest that this variant may create or strengthen a splice site, but this prediction has not been confirmed by published transcriptional studies. In summary, the available evidence is currently insufficient to determine the role of this variant in disease. Therefore, it has been classified as a Variant of Uncertain Significance.

NM_003000.3(SDHB):c.409A>G (p.Lys137Glu)

Gene: SDHB (succinate dehydrogenase complex iron sulfur subunit B; minus strand). Cytogenetic location: 1p36.13.
Variant type: single nucleotide variant.
Coding change: c.409A>G on transcript NM_003000.3 (MANE Select); coding-DNA position 409, A replaced by G.
Protein change: p.Lys137Glu; replaces lysine 137 with glutamic acid.
Molecular consequence: missense variant.
Genome position (GRCh38, 1-based): chr1:17,028,614, T>C on the plus strand (A>G on the coding strand, the complement: SDHB is on the minus strand). VCF-style: chr1-17028614-T-C. GRCh37 (hg19) VCF-style: chr1-17355109-T-C.
Other names: short protein forms K137E.
Identifiers: ClinVar variation 946278 (VCV000946278.8), dbSNP rs2078004315, ClinGen allele CA338273999.